The following is an entry in ClinVar:

NM_024675.4(PALB2):c.1897A>G (p.Lys633Glu)

Gene: PALB2 (partner and localizer of BRCA2; minus strand). Cytogenetic location: 16p12.2.
Variant type: single nucleotide variant.
Coding change: c.1897A>G on transcript NM_024675.4 (MANE Select); coding-DNA position 1897, A replaced by G.
Protein change: p.Lys633Glu; replaces lysine 633 with glutamic acid.
Molecular consequence: missense variant.
Genome position (GRCh38, 1-based): chr16:23,630,257, T>C on the plus strand (A>G on the coding strand, the complement: PALB2 is on the minus strand). VCF-style: chr16-23630257-T-C. GRCh37 (hg19) VCF-style: chr16-23641578-T-C.
Other names: short protein forms K633E.
Identifiers: ClinVar variation 482052 (VCV000482052.14), dbSNP rs1555460599, ClinGen allele CA395127594.

ClinVar aggregate classification (germline): Uncertain significance. Review status: criteria provided, multiple submitters, no conflicts (2 of 4 stars). 3 submissions from 3 submitters: Uncertain significance (3). Last evaluated 2025-01-03.

Conditions:
Hereditary cancer-predisposing syndrome. Also called: Neoplastic Syndromes, Hereditary; Tumor predisposition; Hereditary Cancer Syndrome; Hereditary neoplastic syndrome. Identifiers: Orphanet 140162, MedGen C0027672, MeSH D009386, MONDO:0015356.
Familial cancer of breast. Also called: BREAST CANCER, FAMILIAL; Hereditary breast cancer; hereditary breast carcinoma. Identifiers: Orphanet 227535, MedGen C0346153, MONDO:0016419, OMIM 114480. Disease mechanism: loss of function.

Allele frequency attached by ClinVar (database versions not stated): gnomAD exomes below 0.00001.
gnomAD v4.1: 1 of 1,614,186 alleles (0.000062%); no homozygotes.

Submissions (3):

Ambry Genetics
Classification: Uncertain significance for Hereditary cancer-predisposing syndrome. Last evaluated: 2025-01-03. Review status: criteria provided, single submitter. Criteria: Ambry Variant Classification Scheme 2023. Collection method: clinical testing. Allele origin: germline.
Comment: The p.K633E variant (also known as c.1897A>G), located in coding exon 5 of the PALB2 gene, results from an A to G substitution at nucleotide position 1897. The lysine at codon 633 is replaced by glutamic acid, an amino acid with similar properties. This amino acid position is not well conserved in available vertebrate species. In addition, this alteration is predicted to be tolerated by in silico analysis. Since supporting evidence is limited at this time, the clinical significance of this alteration remains unclear.

Labcorp Genetics (formerly Invitae), Labcorp
Classification: Uncertain significance for Familial cancer of breast. Last evaluated: 2023-12-06. Review status: criteria provided, single submitter. Criteria: Invitae Variant Classification Sherloc (09022015). Collection method: clinical testing. Allele origin: germline.
Comment: This sequence change replaces lysine, which is basic and polar, with glutamic acid, which is acidic and polar, at codon 633 of the PALB2 protein (p.Lys633Glu). This variant is not present in population databases (gnomAD no frequency). This variant has not been reported in the literature in individuals affected with PALB2-related conditions. ClinVar contains an entry for this variant (Variation ID: 482052). Advanced modeling of protein sequence and biophysical properties (such as structural, functional, and spatial information, amino acid conservation, physicochemical variation, residue mobility, and thermodynamic stability) performed at Invitae indicates that this missense variant is not expected to disrupt PALB2 protein function with a negative predictive value of 80%. In summary, the available evidence is currently insufficient to determine the role of this variant in disease. Therefore, it has been classified as a Variant of Uncertain Significance.

Color Diagnostics, LLC DBA Color Health
Classification: Uncertain significance for Hereditary cancer-predisposing syndrome. Last evaluated: 2021-06-03. Review status: criteria provided, single submitter. Criteria: ACMG Guidelines, 2015. Collection method: clinical testing. Allele origin: germline.
Comment: This missense variant replaces lysine with glutamic acid at codon 633 of the PALB2 protein. Computational prediction suggests that this variant may not impact protein structure and function (internally defined REVEL score threshold <= 0.5, PMID: 27666373). To our knowledge, functional studies have not been reported for this variant. This variant has not been reported in individuals affected with hereditary cancer in the literature. This variant has not been identified in the general population by the Genome Aggregation Database (gnomAD). The available evidence is insufficient to determine the role of this variant in disease conclusively. Therefore, this variant is classified as a Variant of Uncertain Significance.